The following is an entry in ClinVar:

NM_024678.6(NARS2):c.353T>C (p.Ile118Thr)

Gene: NARS2 (asparaginyl-tRNA synthetase 2, mitochondrial; minus strand). Cytogenetic location: 11q14.1.
Variant type: single nucleotide variant.
Coding change: c.353T>C on transcript NM_024678.6 (MANE Select); coding-DNA position 353, T replaced by C.
Protein change: p.Ile118Thr; replaces isoleucine 118 with threonine.
Molecular consequence: missense variant. On other transcripts: 5 prime UTR variant (1).
Genome position (GRCh38, 1-based): chr11:78,568,651, A>G on the plus strand (T>C on the coding strand, the complement: NARS2 is on the minus strand). VCF-style: chr11-78568651-A-G. GRCh37 (hg19) VCF-style: chr11-78279697-A-G.
Other names: c.353T>C (NM_024678.5); c.-329T>C (NM_001243251.2); short protein forms I118T.
Identifiers: ClinVar variation 1960853 (VCV001960853.6), dbSNP rs374024785, ClinGen allele CA6205878.

ClinVar aggregate classification (germline): Uncertain significance. Review status: criteria provided, multiple submitters, no conflicts (2 of 4 stars). 2 submissions from 2 submitters: Uncertain significance (2). Last evaluated 2024-02-06.

Conditions:
Inborn genetic diseases. Identifiers: MedGen C0950123, MeSH D030342.

Allele frequency attached by ClinVar (database versions not stated): ExAC 0.00001; gnomAD exomes 0.00001; gnomAD 0.00002; TOPMed 0.00003; ESP Exome Variant Server 0.00008.
gnomAD v4.1: 14 of 1,612,638 alleles (0.00087%); highest among the groups gnomAD compares: South Asian, 0.0088%; no homozygotes.

Submissions (2):

Ambry Genetics
Classification: Uncertain significance for Inborn genetic diseases. Last evaluated: 2024-02-06. Review status: criteria provided, single submitter. Criteria: Ambry Variant Classification Scheme 2023. Collection method: clinical testing. Allele origin: germline.

Labcorp Genetics (formerly Invitae), Labcorp
Classification: Uncertain significance. Last evaluated: 2022-05-09. Review status: criteria provided, single submitter. Criteria: Invitae Variant Classification Sherloc (09022015). Collection method: clinical testing. Allele origin: germline.
Comment: This variant is not present in population databases (gnomAD no frequency). This sequence change replaces isoleucine, which is neutral and non-polar, with threonine, which is neutral and polar, at codon 118 of the NARS2 protein (p.Ile118Thr). This variant has not been reported in the literature in individuals affected with NARS2-related conditions. In summary, the available evidence is currently insufficient to determine the role of this variant in disease. Therefore, it has been classified as a Variant of Uncertain Significance. Algorithms developed to predict the effect of missense changes on protein structure and function are either unavailable or do not agree on the potential impact of this missense change (SIFT: "Deleterious"; PolyPhen-2: "Benign"; Align-GVGD: "Class C0").